The following is an entry in ClinVar:

ClinVar aggregate classification (germline): Uncertain significance. Review status: criteria provided, multiple submitters, no conflicts (2 of 4 stars). 2 submissions from 2 submitters: Uncertain significance (2). Last evaluated 2025-08-12.

Conditions:
Inborn genetic diseases. Identifiers: MedGen C0950123, MeSH D030342.

Allele frequency attached by ClinVar (database versions not stated): ExAC 0.00002.
gnomAD v4.1: 30 of 1,600,038 alleles (0.0019%); highest among the groups gnomAD compares: Admixed American, 0.0052%; no homozygotes.

Submissions (2):

Ambry Genetics
Classification: Uncertain significance for Inborn genetic diseases. Last evaluated: 2025-08-12. Review status: criteria provided, single submitter. Criteria: Ambry Variant Classification Scheme 2023. Collection method: clinical testing. Allele origin: germline.

Labcorp Genetics (formerly Invitae), Labcorp
Classification: Uncertain significance. Last evaluated: 2024-11-11. Review status: criteria provided, single submitter. Criteria: Invitae Variant Classification Sherloc (09022015). Collection method: clinical testing. Allele origin: germline.
Comment: This sequence change replaces alanine, which is neutral and non-polar, with threonine, which is neutral and polar, at codon 151 of the LPAR6 protein (p.Ala151Thr). The frequency data for this variant in the population databases is considered unreliable, as metrics indicate poor data quality at this position in the gnomAD database. This variant has not been reported in the literature in individuals affected with LPAR6-related conditions. ClinVar contains an entry for this variant (Variation ID: 2157214). An algorithm developed to predict the effect of missense changes on protein structure and function (PolyPhen-2) suggests that this variant is likely to be tolerated. In summary, the available evidence is currently insufficient to determine the role of this variant in disease. Therefore, it has been classified as a Variant of Uncertain Significance.

NM_001162498.3(LPAR6):c.451G>A (p.Ala151Thr)

Genes: LPAR6 (lysophosphatidic acid receptor 6; minus strand), RB1 (RB transcriptional corepressor 1; plus strand). Cytogenetic location: 13q14.2.
Variant type: single nucleotide variant.
Coding change: c.451G>A on transcript NM_001162498.3 (MANE Select); coding-DNA position 451, G replaced by A.
Protein change: p.Ala151Thr; replaces alanine 151 with threonine.
Molecular consequence: missense variant. On other transcripts: intron variant (2).
Genome position (GRCh38, 1-based): chr13:48,411,973, C>T on the plus strand (G>A on the coding strand, the complement: LPAR6 is on the minus strand). VCF-style: chr13-48411973-C-T. GRCh37 (hg19) VCF-style: chr13-48986109-C-T.
Other names: c.451G>A, p.Ala151Thr (NM_001162497.3, NM_001377316.2, NM_001377317.2 and 1 more transcripts); c.1695+30530C>T (NM_001407165.1, NM_000321.3); c.451G>A (NM_005767.5); short protein forms A151T.
Identifiers: ClinVar variation 2157214 (VCV002157214.5), dbSNP rs776012380, ClinGen allele CA030888.
Genomic context (GRCh38, chr13:48,411,973, plus strand): 5'-TTTCAAAGCAGGCTTCTGAGGCATTGTTACCCTGAGAGTGGGTAGACTGAACAAAAACGG[C>T]GGGTGCACTTCCTCCGATCACAGTTAACCACACGCCAGTGCAAACAATCTTTGCATTTCT-3'
Protein context (NP_001155970.1, residues 141-161): WLTVIGGSAP[Ala151Thr]VFVQSTHSQG